The following is an entry in ClinVar:

NM_004329.3(BMPR1A):c.1474-20A>T

Gene: BMPR1A (bone morphogenetic protein receptor type 1A; plus strand). Cytogenetic location: 10q23.2.
Variant type: single nucleotide variant.
Coding change: c.1474-20A>T on transcript NM_004329.3 (MANE Select); 20 bases into the intron before coding-DNA position 1474, A replaced by T.
Molecular consequence: intron variant.
Genome position (GRCh38, 1-based): chr10:86,923,574, A>T. VCF-style: chr10-86923574-A-T. GRCh37 (hg19) VCF-style: chr10-88683331-A-T.
Other names: c.1474-20A>T (NM_001406562.1, NM_001406568.1, NM_001406567.1 and 19 more transcripts); c.1390-20A>T (NM_001406584.1, NM_001406588.1, NM_001406587.1 and 2 more transcripts); c.1522-20A>T (NM_001406560.1); c.1549-20A>T (NM_001406559.1); c.1468-20A>T (NM_001406583.1); c.1132-20A>T (NM_001406589.1).
Identifiers: ClinVar variation 3379304 (VCV003379304.1).

ClinVar aggregate classification (germline): Likely benign (1 of 4 stars; one submission).

Conditions:
Juvenile polyposis syndrome (JPS). Identifiers: Orphanet 2929, MedGen C0345893, MONDO:0017380, OMIM 174900.

Submission:

Myriad Genetics, Inc.
Classification: Likely benign for Juvenile polyposis syndrome. Last evaluated: 2024-08-08. Review status: criteria provided, single submitter. Criteria: Myriad Autosomal Dominant, Autosomal Recessive and X-Linked Classification Criteria (2023). Collection method: clinical testing. Allele origin: unknown.
Comment: This variant is considered likely benign. This variant is intronic and is not expected to impact mRNA splicing.